The following is an entry in ClinVar:

NM_198576.4(AGRN):c.2251C>T (p.Arg751Ter)

Gene: AGRN (agrin; plus strand). Cytogenetic location: 1p36.33.
Variant type: single nucleotide variant.
Coding change: c.2251C>T on transcript NM_198576.4 (MANE Select); coding-DNA position 2251, C replaced by T.
Protein change: p.Arg751Ter; replaces arginine 751 with a stop codon.
Molecular consequence: nonsense.
Genome position (GRCh38, 1-based): chr1:1,044,436, C>T. VCF-style: chr1-1044436-C-T. GRCh37 (hg19) VCF-style: chr1-979816-C-T.
Other names: c.2251C>T, p.Arg751Ter (NM_001305275.2); c.1936C>T, p.Arg646Ter (NM_001364727.2); short protein forms R646*, R751*.
Identifiers: ClinVar variation 4750094 (VCV004750094.1).

ClinVar aggregate classification (germline): Pathogenic (1 of 4 stars; one submission).

Conditions:
Congenital myasthenic syndrome 8. Also called: MYASTHENIC SYNDROME, CONGENITAL, DUE TO AGRIN DEFICIENCY; Myasthenic syndrome, congenital, 8, with pre- and postsynaptic defects. Identifiers: Orphanet 590, MedGen C3808739, MONDO:0014052, OMIM 615120.

gnomAD v4.1: 6 of 1,605,950 alleles (0.00037%); highest among the groups gnomAD compares: African/African-American, 0.0013%; no homozygotes.

Submission:

Labcorp Genetics (formerly Invitae), Labcorp
Classification: Pathogenic for Congenital myasthenic syndrome 8. Last evaluated: 2025-08-11. Review status: criteria provided, single submitter. Criteria: Invitae Variant Classification Sherloc (09022015). Collection method: clinical testing. Allele origin: germline.
Comment: This sequence change creates a premature translational stop signal (p.Arg751*) in the AGRN gene. It is expected to result in an absent or disrupted protein product. Loss-of-function variants in AGRN are known to be pathogenic (PMID: 24951643, 31730230, 39807604). This variant is present in population databases (no rsID available, gnomAD 0.01%). This variant has not been reported in the literature in individuals affected with AGRN-related conditions. For these reasons, this variant has been classified as Pathogenic.

Literature cited by the submitters: PubMed 24951643; PubMed 31730230; PubMed 39807604.